The following is an entry in ClinVar:

NM_005677.4(COLQ):c.859C>T (p.Pro287Ser)

Gene: COLQ (collagen like tail subunit of asymmetric acetylcholinesterase; minus strand). Cytogenetic location: 3p25.1.
Variant type: single nucleotide variant.
Coding change: c.859C>T on transcript NM_005677.4 (MANE Select); coding-DNA position 859, C replaced by T.
Protein change: p.Pro287Ser; replaces proline 287 with serine.
Molecular consequence: missense variant.
Genome position (GRCh38, 1-based): chr3:15,458,281, G>A on the plus strand (C>T on the coding strand, the complement: COLQ is on the minus strand). VCF-style: chr3-15458281-G-A. GRCh37 (hg19) VCF-style: chr3-15499788-G-A.
Other names: c.829C>T, p.Pro277Ser (NM_080538.2); c.757C>T, p.Pro253Ser (NM_080539.4); short protein forms P253S, P277S, P287S.
Identifiers: ClinVar variation 1449084 (VCV001449084.8), dbSNP rs2125089134, ClinGen allele CA351597390.

ClinVar aggregate classification (germline): Uncertain significance (1 of 4 stars; one submission).

Conditions:
Congenital myasthenic syndrome 5. Identifiers: Orphanet 590, MedGen C1864233, MONDO:0011281, OMIM 603034.

Allele frequency attached by ClinVar (database versions not stated): gnomAD exomes below 0.00001.

Submission:

Labcorp Genetics (formerly Invitae), Labcorp
Classification: Uncertain significance for Congenital myasthenic syndrome 5. Last evaluated: 2021-04-12. Review status: criteria provided, single submitter. Criteria: Invitae Variant Classification Sherloc (09022015). Collection method: clinical testing. Allele origin: germline.
Comment: This sequence change replaces proline with serine at codon 287 of the COLQ protein (p.Pro287Ser). The proline residue is highly conserved and there is a moderate physicochemical difference between proline and serine. This variant is not present in population databases (ExAC no frequency). This variant has not been reported in the literature in individuals with COLQ-related conditions. Algorithms developed to predict the effect of missense changes on protein structure and function are either unavailable or do not agree on the potential impact of this missense change (SIFT: "Deleterious"; PolyPhen-2: "Not Available"; Align-GVGD: "Class C0"). In summary, the available evidence is currently insufficient to determine the role of this variant in disease. Therefore, it has been classified as a Variant of Uncertain Significance.